The following is an entry in ClinVar:

NM_007194.4(CHEK2):c.1095+2dup

Gene: CHEK2 (checkpoint kinase 2; minus strand). Cytogenetic location: 22q12.1.
Variant type: Duplication.
Coding change: c.1095+2dup on transcript NM_007194.4 (MANE Select); the canonical splice donor site of the intron after coding-DNA position 1095, one base duplicated (T; older notation c.1095+2dupT).
Molecular consequence: splice donor variant. On other transcripts: intron variant (3).
Genome position (GRCh38, 1-based): chr22:28,696,899, A duplicated on the plus strand (T on the coding strand, the reverse complement: CHEK2 is on the minus strand). VCF-style (leftmost placement, unchanged base first): chr22-28696898-T-TA. GRCh37 (hg19) VCF-style: chr22-29092886-T-TA.
Other names: c.432+2dup (NM_001437942.1, NM_001257387.3); c.894+2dup (NM_001349956.3); c.1009-1026dup (NM_145862.3); c.1102-1026dup (NM_001438295.1); c.1188+2dup (NM_001438293.1); c.1138-1026dup (NM_001438294.1); c.1224+2dup (NM_001005735.3).
Identifiers: ClinVar variation 1790253 (VCV001790253.4), dbSNP rs2517819927, ClinGen allele CA2580099556.

ClinVar aggregate classification (germline): Conflicting classifications of pathogenicity. Review status: criteria provided, conflicting classifications (1 of 4 stars). 2 submissions from 2 submitters: Likely pathogenic (1); Uncertain significance (1). Last evaluated 2026-04-21.

Conditions:
Hereditary cancer-predisposing syndrome. Also called: Neoplastic Syndromes, Hereditary; Tumor predisposition; Hereditary Cancer Syndrome; Hereditary neoplastic syndrome. Identifiers: Orphanet 140162, MedGen C0027672, MeSH D009386, MONDO:0015356.
Familial cancer of breast. Also called: BREAST CANCER, FAMILIAL; Hereditary breast cancer; hereditary breast carcinoma. Identifiers: Orphanet 227535, MedGen C0346153, MONDO:0016419, OMIM 114480. Disease mechanism: loss of function.

Submissions (2):

Ambry Genetics
Classification: Likely pathogenic for Hereditary cancer-predisposing syndrome. Last evaluated: 2026-04-21. Review status: criteria provided, single submitter. Criteria: Ambry Variant Classification Scheme 2023. Collection method: clinical testing. Allele origin: germline.
Comment: The c.1095+2dupT intronic variant, results from a duplication of two nucleotides at nucleotide position 1095 after intron 9 of the CHEK2 gene. This nucleotide position is highly conserved in available vertebrate species. RNA studies have demonstrated that this alteration causes abnormal splicing that results in the in-frame skipping of coding exon 9 (Ambry internal data). Based on internal structural analysis, the loss of coding exon 9 is deleterious as the variant disrupts a region and residues of known function (Matsuoka S. et al. Science 1998 Dec;282(5395):1893-7; Falck J. et al. Nature 2001 Apr;410(6830):842-7; Silva-Santisteban MC. et al. PLoS One 2013 Jun;8(6):e65689). In silico splice site analysis predicts that this alteration will weaken the native splice donor site. Based on the majority of available evidence to date, this variant is likely to be pathogenic.

Baylor Genetics
Classification: Uncertain significance for Familial cancer of breast. Last evaluated: 2024-02-07. Review status: criteria provided, single submitter. Criteria: ACMG Guidelines, 2015. Collection method: clinical testing. Allele origin: unknown.

Literature cited by the submitters: PubMed 11298456 (cited by Ambry Genetics); PubMed 23776527 (cited by Ambry Genetics); PubMed 9836640 (cited by Ambry Genetics).